The following is an entry in ClinVar:

ClinVar aggregate classification (germline): Uncertain significance (1 of 4 stars; one submission).

Conditions:
Nemaline myopathy 2 (NEM2). Also called: Nemaline myopathy 2, autosomal recessive. Identifiers: MedGen C1850569, MONDO:0009725, OMIM 256030.

Allele frequency attached by ClinVar (database versions not stated): ExAC 0.00001; gnomAD 0.00001; TOPMed 0.00001.
gnomAD v4.1: 7 of 1,613,278 alleles (0.00043%); highest among the groups gnomAD compares: East Asian, 0.0045%; no homozygotes.

Submission:

Labcorp Genetics (formerly Invitae), Labcorp
Classification: Uncertain significance for Nemaline myopathy 2. Last evaluated: 2023-12-07. Review status: criteria provided, single submitter. Criteria: Invitae Variant Classification Sherloc (09022015). Collection method: clinical testing. Allele origin: germline.
Comment: This sequence change replaces tyrosine, which is neutral and polar, with cysteine, which is neutral and slightly polar, at codon 3627 of the NEB protein (p.Tyr3627Cys). This variant is present in population databases (rs573537251, gnomAD 0.006%). This variant has not been reported in the literature in individuals affected with NEB-related conditions. ClinVar contains an entry for this variant (Variation ID: 969761). Experimental studies and prediction algorithms are not available or were not evaluated, and the functional significance of this variant is currently unknown. In summary, the available evidence is currently insufficient to determine the role of this variant in disease. Therefore, it has been classified as a Variant of Uncertain Significance.

NM_001164508.2(NEB):c.10880A>G (p.Tyr3627Cys)

Gene: NEB (nebulin; minus strand). Cytogenetic location: 2q23.3.
Variant type: single nucleotide variant.
Coding change: c.10880A>G on transcript NM_001164508.2 (MANE Select); coding-DNA position 10880, A replaced by G.
Protein change: p.Tyr3627Cys; replaces tyrosine 3627 with cysteine.
Molecular consequence: missense variant.
Genome position (GRCh38, 1-based): chr2:151,618,471, T>C on the plus strand (A>G on the coding strand, the complement: NEB is on the minus strand). VCF-style: chr2-151618471-T-C. GRCh37 (hg19) VCF-style: chr2-152474985-T-C.
Other names: c.10880A>G, p.Tyr3627Cys (NM_001164507.2, NM_001271208.2); c.10151A>G, p.Tyr3384Cys (NM_004543.5); short protein forms Y3384C, Y3627C.
Identifiers: ClinVar variation 969761 (VCV000969761.8), dbSNP rs573537251, ClinGen allele CA1908918.